The following is an entry in ClinVar:

ClinVar aggregate classification (germline): Likely pathogenic (1 of 4 stars; one submission).

Conditions:
Wiedemann-Steiner syndrome (WDSTS). Also called: Growth deficiency and mental retardation with facial dysmorphism. Identifiers: Orphanet 319182, MedGen C1854630, MONDO:0011518, OMIM 605130.

Submission:

3billion
Classification: Likely pathogenic for Wiedemann-Steiner syndrome. Last evaluated: 2022-09-01. Review status: criteria provided, single submitter. Criteria: ACMG Guidelines, 2015. Collection method: clinical testing. Allele origin: germline. Affected: yes. Observed: 1 heterozygote.
Comment: The variant is not observed in the gnomAD v2.1.1 dataset. Frameshift variant is predicted to result in a loss or disruption of normal protein function through nonsense-mediated decay (NMD) or protein truncation. Multiple pathogenic variants are reported downstream of the variant. Therefore, this variant is classified as Likely pathogenic according to the recommendation of ACMG/AMP guideline.

NM_001197104.2(KMT2A):c.6141_6142dup (p.Phe2048fs)

Gene: KMT2A (lysine methyltransferase 2A; plus strand). Cytogenetic location: 11q23.3.
Variant type: Microsatellite.
Coding change: c.6141_6142dup on transcript NM_001197104.2 (MANE Select); coding-DNA positions 6141 to 6142, 2 bases duplicated (CT; older notation c.6141_6142dupCT).
Protein change: p.Phe2048fs; shifts the reading frame from phenylalanine 2048.
Molecular consequence: frameshift variant.
Genome position (GRCh38, 1-based): chr11:118,499,896-118,499,897, CT duplicated; duplicating any 2 consecutive bases within chr11:118,499,894-118,499,897 gives the same sequence; the c. name uses the placement nearest the transcript's 3' end. VCF-style (leftmost placement, unchanged base first): chr11-118499893-G-GCT. GRCh37 (hg19) VCF-style: chr11-118370608-G-GCT.
Other names: c.6132_6133dup, p.Phe2045fs (NM_005933.4); short protein forms F2045fs, F2048fs.
Identifiers: ClinVar variation 1705560 (VCV001705560.1), dbSNP rs2496973394, ClinGen allele CA2580615085.